The following is an entry in ClinVar:

NM_005051.3(QARS1):c.2151+13G>C

Gene: QARS1 (glutaminyl-tRNA synthetase 1; minus strand). Cytogenetic location: 3p21.31.
Variant type: single nucleotide variant.
Coding change: c.2151+13G>C on transcript NM_005051.3 (MANE Select); 13 bases into the intron after coding-DNA position 2151, G replaced by C.
Molecular consequence: intron variant.
Genome position (GRCh38, 1-based): chr3:49,098,179, C>G on the plus strand (G>C on the coding strand, the complement: QARS1 is on the minus strand). VCF-style: chr3-49098179-C-G. GRCh37 (hg19) VCF-style: chr3-49135612-C-G.
Other names: c.2118+13G>C (NM_001272073.2).
Identifiers: ClinVar variation 513140 (VCV000513140.5), dbSNP rs1465310490, ClinGen allele CA433630122.

ClinVar aggregate classification (germline): Likely benign. Review status: criteria provided, multiple submitters, no conflicts (2 of 4 stars). 2 submissions from 2 submitters: Likely benign (2). Last evaluated 2023-09-10.

Conditions:
Diffuse cerebral and cerebellar atrophy - intractable seizures - progressive microcephaly syndrome. Also called: Microcephaly, progressive, with seizures and cerebral and cerebellar atrophy. Identifiers: Orphanet 404437, MedGen C4014239, MONDO:0014335, OMIM 615760.

Allele frequency attached by ClinVar (database versions not stated): gnomAD 0.00001.

Submissions (2):

Labcorp Genetics (formerly Invitae), Labcorp
Classification: Likely benign for Diffuse cerebral and cerebellar atrophy - intractable seizures - progressive microcephaly syndrome. Last evaluated: 2023-09-10. Review status: criteria provided, single submitter. Criteria: Invitae Variant Classification Sherloc (09022015). Collection method: clinical testing. Allele origin: germline.

GeneDx
Classification: Likely benign. Last evaluated: 2017-11-06. Review status: criteria provided, single submitter. Criteria: GeneDx Variant Classification (06012015). Collection method: clinical testing. Allele origin: germline. Affected: yes.
Comment: This variant is considered likely benign or benign based on one or more of the following criteria: it is a conservative change, it occurs at a poorly conserved position in the protein, it is predicted to be benign by multiple in silico algorithms, and/or has population frequency not consistent with disease.